The following is an entry in ClinVar:

NM_013262.4(MYLIP):c.1225G>A (p.Glu409Lys)

Gene: MYLIP (myosin regulatory light chain interacting protein; plus strand). Cytogenetic location: 6p22.3.
Variant type: single nucleotide variant.
Coding change: c.1225G>A on transcript NM_013262.4 (MANE Select); coding-DNA position 1225, G replaced by A.
Protein change: p.Glu409Lys; replaces glutamic acid 409 with lysine.
Molecular consequence: missense variant.
Genome position (GRCh38, 1-based): chr6:16,145,294, G>A. VCF-style: chr6-16145294-G-A. GRCh37 (hg19) VCF-style: chr6-16145525-G-A.
Other names: short protein forms E409K.
Identifiers: ClinVar variation 3159681 (VCV003159681.1), dbSNP rs1458670902, ClinGen allele CA362799602.

ClinVar aggregate classification (germline): Uncertain significance (1 of 4 stars; one submission).

Allele frequency attached by ClinVar (database versions not stated): gnomAD exomes 0.00001; TOPMed 0.00001.
gnomAD v4.1: 3 of 1,598,812 alleles (0.00019%); highest among the groups gnomAD compares: East Asian, 0.0067%; no homozygotes.

Submission:

Ambry Genetics
Classification: Uncertain significance. Last evaluated: 2024-02-22. Review status: criteria provided, single submitter. Criteria: Ambry Variant Classification Scheme 2023. Collection method: clinical testing. Allele origin: germline.
Comment: Does not currently meet published gene-disease clinical validity criteria Based on insufficient or conflicting evidence, the clinical significance of this alteration remains unclear.

Literature cited by the submitters: PubMed 28106320.